The following is an entry in ClinVar:

NM_006734.4(HIVEP2):c.3086G>A (p.Arg1029His)

Gene: HIVEP2 (HIVEP zinc finger 2; minus strand). Cytogenetic location: 6q24.2.
Variant type: single nucleotide variant.
Coding change: c.3086G>A on transcript NM_006734.4 (MANE Select); coding-DNA position 3086, G replaced by A.
Protein change: p.Arg1029His; replaces arginine 1029 with histidine.
Molecular consequence: missense variant.
Genome position (GRCh38, 1-based): chr6:142,771,653, C>T on the plus strand (G>A on the coding strand, the complement: HIVEP2 is on the minus strand). VCF-style: chr6-142771653-C-T. GRCh37 (hg19) VCF-style: chr6-143092790-C-T.
Other names: short protein forms R1029H.
Identifiers: ClinVar variation 1310630 (VCV001310630.2), dbSNP rs760549685, ClinGen allele CA149016171.
Genomic context (GRCh38, chr6:142,771,653, plus strand): 5'-TTGCTCCGAACTTCTGGGACTTCCGCTGGGTGAGGACAAGGCATCTGCTCTGATGAGCAG[C>T]GTCGCATCTCTTTCTGGTGGTGATGGCCTGGGACAGACAATGAGTATGAACCAGCAGGGA-3'
Protein context (NP_006725.3, residues 1019-1039): PGHHHQKEMR[Arg1029His]CSSEQMPCPH

ClinVar aggregate classification (germline): Uncertain significance (1 of 4 stars; one submission).

Allele frequency attached by ClinVar (database versions not stated): gnomAD exomes below 0.00001; TOPMed 0.00001.
gnomAD v4.1: 5 of 1,614,152 alleles (0.00031%); highest among the groups gnomAD compares: Non-Finnish European, 0.00042%; no homozygotes.

Submission:

GeneDx
Classification: Uncertain significance. Last evaluated: 2020-09-29. Review status: criteria provided, single submitter. Criteria: GeneDx Variant Classification Process June 2021. Collection method: clinical testing. Allele origin: germline. Affected: yes.
Comment: Not observed in large population cohorts (Lek et al., 2016); In silico analysis, which includes protein predictors and evolutionary conservation, supports a deleterious effect; Has not been previously published as pathogenic or benign to our knowledge